The following is an entry in ClinVar:

ClinVar aggregate classification (germline): Uncertain significance (1 of 4 stars; one submission).

Conditions:
Charcot-Marie-Tooth disease axonal type 2V. Also called: CHARCOT-MARIE-TOOTH NEUROPATHY, TYPE 2V; CHARCOT-MARIE-TOOTH DISEASE, AXONAL, AUTOSOMAL DOMINANT, TYPE 2V. Identifiers: Orphanet 447964, MedGen C5569050, MONDO:0014665, OMIM 616491.
Mucopolysaccharidosis, MPS-III-B (MPS3B). Also called: MPS IIIB (Sanfilippo Syndrome Type B); N-ACETYL-ALPHA-D-GLUCOSAMINIDASE DEFICIENCY; NAGLU DEFICIENCY; MUCOPOLYSACCHARIDOSIS, TYPE IIIB; Mucopolysaccharidosis type IIIB (Sanfilippo B); SANFILIPPO SYNDROME B. Identifiers: Orphanet 79270, MedGen C0086648, MONDO:0009656, OMIM 252920.

Submission:

Labcorp Genetics (formerly Invitae), Labcorp
Classification: Uncertain significance for Charcot-Marie-Tooth disease axonal type 2V; Mucopolysaccharidosis, MPS-III-B. Last evaluated: 2021-06-03. Review status: criteria provided, single submitter. Criteria: Invitae Variant Classification Sherloc (09022015). Collection method: clinical testing. Allele origin: germline.
Comment: In summary, the available evidence is currently insufficient to determine the role of this variant in disease. Therefore, it has been classified as a Variant of Uncertain Significance. Advanced modeling of protein sequence and biophysical properties (such as structural, functional, and spatial information, amino acid conservation, physicochemical variation, residue mobility, and thermodynamic stability) performed at Invitae indicates that this missense variant is not expected to disrupt NAGLU protein function. This variant has not been reported in the literature in individuals with NAGLU-related conditions. This variant is not present in population databases (ExAC no frequency). This sequence change replaces methionine with isoleucine at codon 443 of the NAGLU protein (p.Met443Ile). The methionine residue is weakly conserved and there is a small physicochemical difference between methionine and isoleucine.

NM_000263.4(NAGLU):c.1329G>A (p.Met443Ile)

Gene: NAGLU (N-acetyl-alpha-glucosaminidase; plus strand). Cytogenetic location: 17q21.2.
Variant type: single nucleotide variant.
Coding change: c.1329G>A on transcript NM_000263.4 (MANE Select); coding-DNA position 1329, G replaced by A.
Protein change: p.Met443Ile; replaces methionine 443 with isoleucine.
Molecular consequence: missense variant.
Genome position (GRCh38, 1-based): chr17:42,543,335, G>A. VCF-style: chr17-42543335-G-A. GRCh37 (hg19) VCF-style: chr17-40695353-G-A.
Other names: short protein forms M443I.
Identifiers: ClinVar variation 1372836 (VCV001372836.6), dbSNP rs1370763282, ClinGen allele CA399601903.